The following is an entry in ClinVar:

NM_000019.4(ACAT1):c.731-46_752del

Gene: ACAT1 (acetyl-CoA acetyltransferase 1; plus strand). Cytogenetic location: 11q22.3.
Variant type: Deletion.
Coding change: c.731-46_752del on transcript NM_000019.4 (MANE Select); 46 bases into the intron before coding-DNA position 731 through coding-DNA position 752, 68 bases deleted.
Molecular consequence: splice acceptor variant.
Genome position (GRCh38, 1-based): chr11:108,141,559-108,141,626, 68 bases deleted. GRCh37 (hg19): chr11:108,012,286-108,012,353.
Other names: c.731-46_752del68 (NM_000019.4).
Identifiers: ClinVar variation 666497 (VCV000666497.2), dbSNP rs1591370141, ClinGen allele CA915947693.

ClinVar aggregate classification (germline): Pathogenic. Review status: criteria provided, multiple submitters, no conflicts (2 of 4 stars). 2 submissions from 2 submitters: Pathogenic (2). Last evaluated 2025-03-07.

Conditions:
Deficiency of acetyl-CoA acetyltransferase. Also called: 3-KETOTHIOLASE DEFICIENCY; 3-OXOTHIOLASE DEFICIENCY; Beta-ketothiolase deficiency; MITOCHONDRIAL ACETOACETYL-CoA THIOLASE DEFICIENCY. Identifiers: Orphanet 134, MedGen C1536500, MONDO:0008760, OMIM 203750. Disease mechanism: loss of function.

Submissions (2):

Women's Health and Genetics/Laboratory Corporation of America, LabCorp
Classification: Pathogenic for Deficiency of acetyl-CoA acetyltransferase. Last evaluated: 2025-03-07. Review status: criteria provided, single submitter. Criteria: LabCorp Variant Classification Summary - May 2015. Collection method: clinical testing. Allele origin: germline.
Comment: Variant summary: ACAT1 c.731-46_752del68 is located in a canonical splice-site and is predicted to affect mRNA splicing resulting in a significantly altered protein due to either exon skipping, shortening, or inclusion of intronic material. Variants that disrupt the consensus splice site are a relatively common cause of aberrant splicing and loss of ACAT1 function. Several computational tools predict a significant impact on normal splicing: Four predict the variant abolishes a 3' acceptor site. At least one publication reports experimental evidence that this variant affects mRNA splicing. The variant was absent in 224482 control chromosomes. It results in negligible T2 enzyme activity (Fukao_ACAT1_HM_1995). ClinVar contains an entry for this variant (Variation ID: 666497). Based on the evidence outlined above, the variant was classified as pathogenic.

Department of Pediatrics, Gifu University
Classification: Pathogenic for Deficiency of acetyl-CoA acetyltransferase. Last evaluated: 2019-05-05. Review status: criteria provided, single submitter. Criteria: ACMG Guidelines, 2015. Collection method: research. Allele origin: germline. Affected: yes. Observed: 1 variant allele.

Literature cited by the submitters: PubMed 20156697 (cited by Women's Health and Genetics/Laboratory Corporation of America, LabCorp); PubMed 7728155 (cited by Women's Health and Genetics/Laboratory Corporation of America, LabCorp and Department of Pediatrics, Gifu University); PubMed 31268215 (cited by Department of Pediatrics, Gifu University).